The following is an entry in ClinVar:

NM_000494.4(COL17A1):c.602A>G (p.Gln201Arg)

Gene: COL17A1 (collagen type XVII alpha 1 chain; minus strand). Cytogenetic location: 10q25.1.
Variant type: single nucleotide variant.
Coding change: c.602A>G on transcript NM_000494.4 (MANE Select); coding-DNA position 602, A replaced by G.
Protein change: p.Gln201Arg; replaces glutamine 201 with arginine.
Molecular consequence: missense variant.
Genome position (GRCh38, 1-based): chr10:104,070,431, T>C on the plus strand (A>G on the coding strand, the complement: COL17A1 is on the minus strand). VCF-style: chr10-104070431-T-C. GRCh37 (hg19) VCF-style: chr10-105830189-T-C.
Other names: short protein forms Q201R.
Identifiers: ClinVar variation 1970415 (VCV001970415.4), dbSNP rs757255510, ClinGen allele CA5679376.

ClinVar aggregate classification (germline): Uncertain significance (1 of 4 stars; one submission).

Allele frequency attached by ClinVar (database versions not stated): TOPMed below 0.00001; ExAC 0.00001; gnomAD 0.00002; gnomAD exomes 0.00002.
gnomAD v4.1: 16 of 1,613,518 alleles (0.00099%); highest among the groups gnomAD compares: Non-Finnish European, 0.00085%; no homozygotes.

Submission:

Labcorp Genetics (formerly Invitae), Labcorp
Classification: Uncertain significance. Last evaluated: 2024-10-17. Review status: criteria provided, single submitter. Criteria: Invitae Variant Classification Sherloc (09022015). Collection method: clinical testing. Allele origin: germline.
Comment: This sequence change replaces glutamine, which is neutral and polar, with arginine, which is basic and polar, at codon 201 of the COL17A1 protein (p.Gln201Arg). This variant is present in population databases (rs757255510, gnomAD 0.01%). This variant has not been reported in the literature in individuals affected with COL17A1-related conditions. ClinVar contains an entry for this variant (Variation ID: 1970415). Invitae Evidence Modeling of protein sequence and biophysical properties (such as structural, functional, and spatial information, amino acid conservation, physicochemical variation, residue mobility, and thermodynamic stability) indicates that this missense variant is not expected to disrupt COL17A1 protein function with a negative predictive value of 80%. In summary, the available evidence is currently insufficient to determine the role of this variant in disease. Therefore, it has been classified as a Variant of Uncertain Significance.